The following is an entry in ClinVar:

NM_198252.3(GSN):c.1037G>A (p.Arg346Gln)

Gene: GSN (gelsolin; plus strand). Cytogenetic location: 9q33.2.
Variant type: single nucleotide variant.
Coding change: c.1037G>A on transcript NM_198252.3 (MANE Select); coding-DNA position 1037, G replaced by A.
Protein change: p.Arg346Gln; replaces arginine 346 with glutamine.
Molecular consequence: missense variant.
Genome position (GRCh38, 1-based): chr9:121,318,726, G>A. VCF-style: chr9-121318726-G-A. GRCh37 (hg19) VCF-style: chr9-124081004-G-A.
Other names: c.1037G>A, p.Arg346Gln (NM_001127665.2, NM_001353053.1, NM_001353054.1 and 10 more transcripts); c.1070G>A, p.Arg357Gln (NM_001127666.2, NM_001127667.2, NM_001353067.2 and 13 more transcripts); c.1088G>A, p.Arg363Gln (NM_001258029.2); c.1061G>A, p.Arg354Gln (NM_001258030.2); c.1109G>A, p.Arg370Gln (NM_001353076.2); c.1190G>A, p.Arg397Gln (NM_000177.5); c.1145G>A, p.Arg382Gln (NM_001127663.2); c.383G>A, p.Arg128Gln (NM_001353078.2); short protein forms R357Q, R397Q, R128Q, R382Q, R346Q, R354Q, R363Q, R370Q.
Identifiers: ClinVar variation 364807 (VCV000364807.14), dbSNP rs372681751, ClinGen allele CA5221125.

ClinVar aggregate classification (germline): Uncertain significance. Review status: criteria provided, multiple submitters, no conflicts (2 of 4 stars). 5 submissions from 5 submitters: Uncertain significance (5). Last evaluated 2026-05-07.

Conditions:
Finnish type amyloidosis. Also called: AMYLOID CRANIAL NEUROPATHY WITH LATTICE CORNEAL DYSTROPHY; AMYLOIDOSIS DUE TO MUTANT GELSOLIN; AMYLOIDOSIS, HEREDITARY SYSTEMIC 4, FINNISH TYPE; Lattice corneal dystrophy associated with familial systemic amyloidosis; Meretoja's syndrome; Lattice dystrophy of the cornea with hereditary generalized amyloidosis. Identifiers: Orphanet 85448, MedGen C1622345, MONDO:0007097, OMIM 105120.
Inborn genetic diseases. Identifiers: MedGen C0950123, MeSH D030342.

Allele frequency attached by ClinVar (database versions not stated): ESP Exome Variant Server 0.00008; gnomAD 0.00004 and 0.00003; TOPMed 0.00002; gnomAD exomes 0.00004.
gnomAD v4.1: 65 of 1,613,880 alleles (0.004%); highest among the groups gnomAD compares: Non-Finnish European, 0.0047%; no homozygotes.

Submissions (5):

Women's Health and Genetics/Laboratory Corporation of America, LabCorp
Classification: Uncertain significance. Last evaluated: 2026-05-07. Review status: criteria provided, single submitter. Criteria: LabCorp Variant Classification Summary - May 2015. Collection method: clinical testing. Allele origin: germline.
Comment: Variant summary: GSN c.1190G>A (p.Arg397Gln) results in a conservative amino acid change in the encoded protein sequence. Algorithms developed to predict the effect of missense changes on protein structure and function are either unavailable or do not agree on the potential impact of this missense change. The variant allele was found at a frequency of 3.6e-05 in 251002 control chromosomes. The available data on variant occurrences in the general population are insufficient to allow any conclusion about variant significance. To our knowledge, no occurrence of c.1190G>A in individuals affected with GSN-related conditions and no experimental evidence demonstrating its impact on protein function have been reported. ClinVar contains an entry for this variant (Variation ID: 364807). Based on the evidence outlined above, the variant was classified as uncertain significance.

Labcorp Genetics (formerly Invitae), Labcorp
Classification: Uncertain significance. Last evaluated: 2024-09-09. Review status: criteria provided, single submitter. Criteria: Invitae Variant Classification Sherloc (09022015). Collection method: clinical testing. Allele origin: germline.
Comment: This sequence change replaces arginine, which is basic and polar, with glutamine, which is neutral and polar, at codon 397 of the GSN protein (p.Arg397Gln). This variant is present in population databases (rs372681751, gnomAD 0.01%). This variant has not been reported in the literature in individuals affected with GSN-related conditions. ClinVar contains an entry for this variant (Variation ID: 364807). Invitae Evidence Modeling of protein sequence and biophysical properties (such as structural, functional, and spatial information, amino acid conservation, physicochemical variation, residue mobility, and thermodynamic stability) indicates that this missense variant is not expected to disrupt GSN protein function with a negative predictive value of 80%. In summary, the available evidence is currently insufficient to determine the role of this variant in disease. Therefore, it has been classified as a Variant of Uncertain Significance.

Ambry Genetics
Classification: Uncertain significance for Inborn genetic diseases. Last evaluated: 2024-08-05. Review status: criteria provided, single submitter. Criteria: Ambry Variant Classification Scheme 2023. Collection method: clinical testing. Allele origin: germline.

Fulgent Genetics
Classification: Uncertain significance for Finnish type amyloidosis. Last evaluated: 2022-05-17. Review status: criteria provided, single submitter. Criteria: ACMG Guidelines, 2015. Collection method: clinical testing. Allele origin: unknown.

Illumina Laboratory Services, Illumina
Classification: Uncertain significance for Finnish type amyloidosis. Last evaluated: 2018-01-12. Review status: criteria provided, single submitter. Criteria: ICSL Variant Classification Criteria 13 December 2019. Collection method: clinical testing. Allele origin: germline.